The following is an entry in ClinVar:

ClinVar aggregate classification (germline): Uncertain significance. Review status: criteria provided, multiple submitters, no conflicts (2 of 4 stars). 2 submissions from 2 submitters: Uncertain significance (2). Last evaluated 2024-11-16.

Conditions:
Bethlem myopathy 1A. Also called: Bethlem Muscular Dystrophy; MYOPATHY, BENIGN CONGENITAL, WITH CONTRACTURES; Bethlem myopathy 1. Identifiers: Orphanet 610, MedGen CN029274, MONDO:0024530, OMIM 158810.

Submissions (2):

Labcorp Genetics (formerly Invitae), Labcorp
Classification: Uncertain significance for Bethlem myopathy 1A. Last evaluated: 2024-11-16. Review status: criteria provided, single submitter. Criteria: Invitae Variant Classification Sherloc (09022015). Collection method: clinical testing. Allele origin: germline.
Comment: This sequence change replaces threonine, which is neutral and polar, with serine, which is neutral and polar, at codon 1412 of the COL6A3 protein (p.Thr1412Ser). This variant is not present in population databases (gnomAD no frequency). This missense change has been observed in individual(s) with suspected limb girdle muscular dystrophy (PMID: 30564623). ClinVar contains an entry for this variant (Variation ID: 497834). Invitae Evidence Modeling of protein sequence and biophysical properties (such as structural, functional, and spatial information, amino acid conservation, physicochemical variation, residue mobility, and thermodynamic stability) indicates that this missense variant is not expected to disrupt COL6A3 protein function with a negative predictive value of 80%. In summary, the available evidence is currently insufficient to determine the role of this variant in disease. Therefore, it has been classified as a Variant of Uncertain Significance.

Eurofins Ntd Llc (ga)
Classification: Uncertain significance. Last evaluated: 2016-10-10. Review status: criteria provided, single submitter. Criteria: EGL Classification Definitions 2015. Collection method: clinical testing. Allele origin: germline. Observed: 1 variant allele, 1 heterozygote.

Literature cited by the submitters: PubMed 30564623 (cited by Labcorp Genetics (formerly Invitae), Labcorp).

NM_004369.4(COL6A3):c.4234A>T (p.Thr1412Ser)

Gene: COL6A3 (collagen type VI alpha 3 chain; minus strand). Cytogenetic location: 2q37.3.
Variant type: single nucleotide variant.
Coding change: c.4234A>T on transcript NM_004369.4 (MANE Select); coding-DNA position 4234, A replaced by T.
Protein change: p.Thr1412Ser; replaces threonine 1412 with serine.
Molecular consequence: missense variant.
Genome position (GRCh38, 1-based): chr2:237,371,783, T>A on the plus strand (A>T on the coding strand, the complement: COL6A3 is on the minus strand). VCF-style: chr2-237371783-T-A. GRCh37 (hg19) VCF-style: chr2-238280426-T-A.
Other names: c.3013A>T, p.Thr1005Ser (NM_057164.5); c.3616A>T, p.Thr1206Ser (NM_057165.5, NM_057167.4); c.2413A>T, p.Thr805Ser (NM_057166.5); short protein forms T1412S, T1005S, T805S, T1206S.
Identifiers: ClinVar variation 497834 (VCV000497834.8), dbSNP rs764522621, ClinGen allele CA351196407.
Genomic context (GRCh38, chr2:237,371,783, plus strand): 5'-CCATCTCACCTGGAGGTGGATAGCGAGTGCTGGCTAAGAGCTTCTGGATCTGCTCTGAGG[T>A]CAGGGTCGTGATGGGCGTCAGCAGTTTCTGCTCCAGGCTGGGCAGCTCCCGGAAGGTGCT-3'
Protein context (NP_004360.2, residues 1402-1422): QKLLTPITTL[Thr1412Ser]SEQIQKLLAS